The following is an entry in ClinVar:

ClinVar aggregate classification (germline): Pathogenic. Review status: reviewed by expert panel (3 of 4 stars). 2 submissions from 2 submitters: Pathogenic (1). 1 of the submissions does not count toward it. Last evaluated 2016-10-18.

Conditions:
Breast-ovarian cancer, familial, susceptibility to, 1 (BROVCA1). Also called: BRCA1 Hereditary Breast and Ovarian Cancer; OVARIAN CANCER, SUSCEPTIBILITY TO. Identifiers: Orphanet 145, MedGen C2676676, MONDO:0011450, OMIM 604370. Disease mechanism: loss of function.

Submissions (2):

Evidence-based Network for the Interpretation of Germline Mutant Alleles (ENIGMA)
Classification: Pathogenic for Breast-ovarian cancer, familial, susceptibility to, 1. Last evaluated: 2016-10-18. Review status: reviewed by expert panel. Criteria: ENIGMA BRCA1/2 Classification Criteria (2015). Collection method: curation. Allele origin: germline.
Comment: Variant allele predicted to encode a truncated non-functional protein.

Consortium of Investigators of Modifiers of BRCA1/2 (CIMBA), c/o University of Cambridge
Classification: Pathogenic for Breast-ovarian cancer, familial, susceptibility to, 1. Last evaluated: 2015-10-02. Review status: criteria provided, single submitter. Criteria: CIMBA Mutation Classification guidelines May 2016. Collection method: clinical testing. Allele origin: germline. Not counted in ClinVar's aggregate classification.

NM_007294.4(BRCA1):c.2501del (p.Gly834fs)

Gene: BRCA1 (BRCA1 DNA repair associated; minus strand). Cytogenetic location: 17q21.31.
Variant type: Deletion.
Coding change: c.2501del on transcript NM_007294.4 (MANE Select); coding-DNA position 2501, one base deleted (G; older notation c.2501delG).
Protein change: p.Gly834fs; shifts the reading frame from glycine 834.
Molecular consequence: frameshift variant. On other transcripts: intron variant (137).
Genome position (GRCh38, 1-based): chr17:43,093,030, C deleted on the plus strand (G on the coding strand, the reverse complement: BRCA1 is on the minus strand); the first of 3 consecutive C bases (chr17:43,093,030-43,093,032); deleting any one gives the same sequence. VCF-style (leftmost placement, unchanged base first): chr17-43093029-TC-T. GRCh37 (hg19) VCF-style: chr17-41245046-TC-T.
Other names: 2620delG-ter845; c.2288del, p.Gly763fs (NM_001407571.1, NM_001407853.1, NM_001407894.1 and 9 more transcripts); c.2501del, p.Gly834fs (NM_001407581.1, NM_001407582.1, NM_001407583.1 and 30 more transcripts); c.2498del, p.Gly833fs (NM_001407610.1, NM_001407611.1, NM_001407612.1 and 22 more transcripts); c.2492del, p.Gly831fs (NM_001407646.1, NM_001407647.1); c.2378del, p.Gly793fs (NM_001407648.1, NM_001407664.1, NM_001407665.1 and 19 more transcripts); c.2375del, p.Gly792fs (NM_001407649.1, NM_001407670.1, NM_001407671.1 and 11 more transcripts); c.2423del, p.Gly808fs (NM_001407653.1, NM_001407654.1, NM_001407655.1 and 4 more transcripts); and 43 more; short protein forms G787fs, G834fs, G666fs, G706fs, G766fs, G786fs, G792fs, G807fs.
Identifiers: ClinVar variation 266271 (VCV000266271.7), dbSNP rs886040044, ClinGen allele CA10589844.